The following is an entry in ClinVar:

ClinVar aggregate classification (germline): Uncertain significance (1 of 4 stars; one submission).

Allele frequency attached by ClinVar (database versions not stated): gnomAD exomes 0.00001 and 0.00002; ExAC 0.00002; gnomAD 0.00003; TOPMed 0.00003.
gnomAD v4.1: 12 of 1,613,440 alleles (0.00074%); highest among the groups gnomAD compares: Non-Finnish European, 0.001%; no homozygotes.

Submission:

Labcorp Genetics (formerly Invitae), Labcorp
Classification: Uncertain significance. Last evaluated: 2021-09-01. Review status: criteria provided, single submitter. Criteria: Invitae Variant Classification Sherloc (09022015). Collection method: clinical testing. Allele origin: germline.
Comment: This sequence change replaces proline with serine at codon 1274 of the TUBGCP6 protein (p.Pro1274Ser). The proline residue is weakly conserved and there is a moderate physicochemical difference between proline and serine. This variant is present in population databases (rs200372449, ExAC 0.003%). This variant has not been reported in the literature in individuals affected with TUBGCP6-related conditions. Algorithms developed to predict the effect of missense changes on protein structure and function (SIFT, PolyPhen-2, Align-GVGD) all suggest that this variant is likely to be tolerated. In summary, the available evidence is currently insufficient to determine the role of this variant in disease. Therefore, it has been classified as a Variant of Uncertain Significance.

NM_020461.4(TUBGCP6):c.3820C>T (p.Pro1274Ser)

Gene: TUBGCP6 (tubulin gamma complex component 6; minus strand). Cytogenetic location: 22q13.33.
Variant type: single nucleotide variant.
Coding change: c.3820C>T on transcript NM_020461.4 (MANE Select); coding-DNA position 3820, C replaced by T.
Protein change: p.Pro1274Ser; replaces proline 1274 with serine.
Molecular consequence: missense variant.
Genome position (GRCh38, 1-based): chr22:50,220,539, G>A on the plus strand (C>T on the coding strand, the complement: TUBGCP6 is on the minus strand). VCF-style: chr22-50220539-G-A. GRCh37 (hg19) VCF-style: chr22-50658968-G-A.
Other names: short protein forms P1274S.
Identifiers: ClinVar variation 1047406 (VCV001047406.6), dbSNP rs200372449, ClinGen allele CA10307811.
Genomic context (GRCh38, chr22:50,220,539, plus strand): 5'-GGGGCCTGGGTGTGTTGGGCTCAGCTTCTGGTGAGAGAGCCCCCAGCACCATGTGGGGCG[G>A]AGGGATGGGTACATGGGTGTTCCACCGTGGCCGGGTGGAAACCACATCCGACACAGGCTC-3'
Protein context (NP_065194.3, residues 1264-1284): PRWNTHVPIP[Pro1274Ser]PHMVLGALSP